The following is an entry in ClinVar:

NM_000157.4(GBA1):c.592C>T (p.Pro198Ser)

Genes: GBA1 (glucosylceramidase beta 1; minus strand), LOC106627981 (GBA recombination region; plus strand). Cytogenetic location: 1q22.
Variant type: single nucleotide variant.
Coding change: c.592C>T on transcript NM_000157.4 (MANE Select); coding-DNA position 592, C replaced by T.
Protein change: p.Pro198Ser; replaces proline 198 with serine.
Molecular consequence: missense variant.
Genome position (GRCh38, 1-based): chr1:155,238,303, G>A on the plus strand (C>T on the coding strand, the complement: GBA1 is on the minus strand). VCF-style: chr1-155238303-G-A. GRCh37 (hg19) VCF-style: chr1-155208094-G-A.
Other names: c.592C>T (NM_000157.3); c.592C>T, p.Pro198Ser (NM_001005741.3, NM_001005742.3); c.331C>T, p.Pro111Ser (NM_001171811.2); c.445C>T, p.Pro149Ser (NM_001171812.2); short protein forms P111S, P149S, P198S.
Identifiers: ClinVar variation 3385120 (VCV003385120.2).

ClinVar aggregate classification (germline): Conflicting classifications of pathogenicity. Review status: criteria provided, conflicting classifications (1 of 4 stars). 2 submissions from 2 submitters: Likely pathogenic (1); Uncertain significance (1). Last evaluated 2025-09-30.

Conditions:
Gaucher disease. Also called: Acute cerebral Gaucher disease; Cerebroside lipidosis syndrome; Gaucher splenomegaly; Sphingolipidosis 1; Glucocerebrosidosis; Glucosylceramidase deficiency. Identifiers: Orphanet 355, MedGen C0017205, MONDO:0018150.

Submissions (2):

Natera, Inc.
Classification: Likely pathogenic for Gaucher disease. Last evaluated: 2025-09-30. Review status: criteria provided, single submitter. Criteria: Natera Variant Classification Schema (03/2026). Collection method: clinical testing. Allele origin: germline.
Comment: The c.592C>T variant in GBA1 is a missense variant predicted to cause substitution of proline to serine at amino acid 198. This variant is rare in the general population with a frequency below the threshold expected for the associated phenotype(s). This variant has been observed in one or more individuals affected with the associated recessive disease, as either homozygous or compound heterozygous with a second variant (PMID: 24022302). Functional studies show that this variant may disrupt protein function (PMID: 24022302). Computational prediction algorithms indicate this variant is likely to affect gene or protein function. Given the available evidence, this variant is classified as Likely Pathogenic.

Women's Health and Genetics/Laboratory Corporation of America, LabCorp
Classification: Uncertain significance. Last evaluated: 2024-10-23. Review status: criteria provided, single submitter. Criteria: LabCorp Variant Classification Summary - May 2015. Collection method: clinical testing. Allele origin: germline.
Comment: Variant summary: GBA1 c.592C>T (p.Pro198Ser) results in a non-conservative amino acid change located in the Glycosyl hydrolase family 30, TIM-barrel domain (IPR033453) of the encoded protein sequence. Five of five in-silico tools predict a damaging effect of the variant on protein function. The variant was absent in 189032 control chromosomes. c.592C>T has been reported in the literature in an individual affected with Gaucher Disease (Malini_2014). These data do not allow any conclusion about variant significance. At least one publication reports experimental evidence evaluating an impact on protein function and found the variant results in 15% of WT activity in vitro (Malini_2014). The following publication has been ascertained in the context of this evaluation (PMID: 24022302). No submitters have cited clinical-significance assessments for this variant to ClinVar. Based on the evidence outlined above, the variant was classified as VUS-possibly pathogenic.

Literature cited by the submitters: PubMed 24022302 (cited by Natera, Inc. and Women's Health and Genetics/Laboratory Corporation of America, LabCorp).